The following is an entry in ClinVar:

NM_003331.5(TYK2):c.11G>C (p.Arg4Pro)

Gene: TYK2 (tyrosine kinase 2; minus strand). Cytogenetic location: 19p13.2.
Variant type: single nucleotide variant.
Coding change: c.11G>C on transcript NM_003331.5 (MANE Select); coding-DNA position 11, G replaced by C.
Protein change: p.Arg4Pro; replaces arginine 4 with proline.
Molecular consequence: missense variant.
Genome position (GRCh38, 1-based): chr19:10,378,396, C>G on the plus strand (G>C on the coding strand, the complement: TYK2 is on the minus strand). VCF-style: chr19-10378396-C-G. GRCh37 (hg19) VCF-style: chr19-10489072-C-G.
Other names: c.11G>C, p.Arg4Pro (NM_001385206.1, NM_001385207.1, NM_001385203.1 and 8 more transcripts); short protein forms R4P.
Identifiers: ClinVar variation 1520254 (VCV001520254.5), dbSNP rs12720343, ClinGen allele CA9193905.

ClinVar aggregate classification (germline): Uncertain significance (1 of 4 stars; one submission).

Conditions:
Immunodeficiency 35 (IMD35). Also called: HIES WITH ATYPICAL MYCOBACTERIOSIS, AUTOSOMAL RECESSIVE; HYPER-IgE SYNDROME WITH ATYPICAL MYCOBACTERIOSIS, AUTOSOMAL RECESSIVE; Susceptibility to infection due to TYK2 deficiency; TYK2 DEFICIENCY. Identifiers: Orphanet 331226, MedGen C1969086, MONDO:0012682, OMIM 611521.

gnomAD v4.1: 11 of 1,610,588 alleles (0.00068%); highest among the groups gnomAD compares: Admixed American, 0.0083%; no homozygotes.

Submission:

Labcorp Genetics (formerly Invitae), Labcorp
Classification: Uncertain significance for Immunodeficiency 35. Last evaluated: 2022-07-12. Review status: criteria provided, single submitter. Criteria: Invitae Variant Classification Sherloc (09022015). Collection method: clinical testing. Allele origin: germline.
Comment: This sequence change replaces arginine, which is basic and polar, with proline, which is neutral and non-polar, at codon 4 of the TYK2 protein (p.Arg4Pro). This variant is present in population databases (rs12720343, gnomAD 0.009%). This variant has not been reported in the literature in individuals affected with TYK2-related conditions. ClinVar contains an entry for this variant (Variation ID: 1520254). Algorithms developed to predict the effect of missense changes on protein structure and function are either unavailable or do not agree on the potential impact of this missense change (SIFT: "Not Available"; PolyPhen-2: "Benign"; Align-GVGD: "Not Available"). In summary, the available evidence is currently insufficient to determine the role of this variant in disease. Therefore, it has been classified as a Variant of Uncertain Significance.